The following is an entry in ClinVar:

NM_001134407.3(GRIN2A):c.1497+2T>C

Gene: GRIN2A (glutamate ionotropic receptor NMDA type subunit 2A; minus strand). Cytogenetic location: 16p13.2.
Variant type: single nucleotide variant.
Coding change: c.1497+2T>C on transcript NM_001134407.3 (MANE Select); the canonical splice donor site of the intron after coding-DNA position 1497, T replaced by C.
Molecular consequence: splice donor variant.
Genome position (GRCh38, 1-based): chr16:9,840,934, A>G on the plus strand (T>C on the coding strand, the complement: GRIN2A is on the minus strand). VCF-style: chr16-9840934-A-G. GRCh37 (hg19) VCF-style: chr16-9934791-A-G.
Other names: c.1497+2T>C (NM_001134408.2, NM_000833.5).
Identifiers: ClinVar variation 1068346 (VCV001068346.5), dbSNP rs2042665950, ClinGen allele CA394800509.

ClinVar aggregate classification (germline): Pathogenic (1 of 4 stars; one submission).

Conditions:
Landau-Kleffner syndrome (FESD). Also called: EPILEPSY, FOCAL, WITH SPEECH DISORDER AND WITH OR WITHOUT MENTAL RETARDATION; APHASIA, ACQUIRED, WITH EPILEPSY. Identifiers: Orphanet 1945, Orphanet 725, Orphanet 98818, MedGen C0282512, MONDO:0009509, OMIM 245570.

Submission:

Labcorp Genetics (formerly Invitae), Labcorp
Classification: Pathogenic for Landau-Kleffner syndrome. Last evaluated: 2022-11-15. Review status: criteria provided, single submitter. Criteria: Invitae Variant Classification Sherloc (09022015). Collection method: clinical testing. Allele origin: germline.
Comment: This sequence change affects a donor splice site in intron 7 of the GRIN2A gene. It is expected to disrupt RNA splicing. Variants that disrupt the donor or acceptor splice site typically lead to a loss of protein function (PMID: 16199547), and loss-of-function variants in GRIN2A are known to be pathogenic (PMID: 23933819, 23933820). This variant is not present in population databases (gnomAD no frequency). Disruption of this splice site has been observed in individuals with clinical features of GRIN2A-related conditions (PMID: 30544257; Invitae). ClinVar contains an entry for this variant (Variation ID: 1068346). Algorithms developed to predict the effect of sequence changes on RNA splicing suggest that this variant may disrupt the consensus splice site. For these reasons, this variant has been classified as Pathogenic.

Literature cited by the submitters: PubMed 16199547; PubMed 23933819; PubMed 23933820; PubMed 30544257.